The following is an entry in ClinVar:

NM_019885.4(CYP26B1):c.454G>A (p.Glu152Lys)

Gene: CYP26B1 (cytochrome P450 family 26 subfamily B member 1; minus strand). Cytogenetic location: 2p13.2.
Variant type: single nucleotide variant.
Coding change: c.454G>A on transcript NM_019885.4 (MANE Select); coding-DNA position 454, G replaced by A.
Protein change: p.Glu152Lys; replaces glutamic acid 152 with lysine.
Molecular consequence: missense variant.
Genome position (GRCh38, 1-based): chr2:72,135,395, C>T on the plus strand (G>A on the coding strand, the complement: CYP26B1 is on the minus strand). VCF-style: chr2-72135395-C-T. GRCh37 (hg19) VCF-style: chr2-72362524-C-T.
Other names: c.229G>A, p.Glu77Lys (NM_001277742.2); c.454G>A (NM_019885.3); short protein forms E77K, E152K.
Identifiers: ClinVar variation 2037504 (VCV002037504.7), dbSNP rs143622603, ClinGen allele CA1708046.

ClinVar aggregate classification (germline): Conflicting classifications of pathogenicity. Review status: criteria provided, conflicting classifications (1 of 4 stars). 3 submissions from 3 submitters: Uncertain significance (1); Benign (1). 1 of the submissions does not count toward it. Last evaluated 2025-10-27.

Conditions:
CYP26B1-related disorder. Also called: CYP26B1-related condition.

Allele frequency attached by ClinVar (database versions not stated): TOPMed 0.00084; gnomAD 0.00091; ESP Exome Variant Server 0.00100; ExAC 0.00112; gnomAD exomes 0.00156.
gnomAD v4.1: 2,402 of 1,612,572 alleles (0.15%); highest among the groups gnomAD compares: Non-Finnish European, 0.19%; 7 homozygotes.

Submissions (3):

Labcorp Genetics (formerly Invitae), Labcorp
Classification: Benign. Last evaluated: 2025-10-27. Review status: criteria provided, single submitter. Criteria: Invitae Variant Classification Sherloc (09022015). Collection method: clinical testing. Allele origin: germline.

GeneDx
Classification: Uncertain significance. Last evaluated: 2024-09-11. Review status: criteria provided, single submitter. Criteria: GeneDx Variant Classification Process June 2021. Collection method: clinical testing. Allele origin: germline. Affected: yes.
Comment: In silico analysis indicates that this missense variant does not alter protein structure/function; Has not been previously published as pathogenic or benign to our knowledge

PreventionGenetics, part of Exact Sciences
Classification: Likely benign for CYP26B1-related condition. Last evaluated: 2022-03-02. Review status: no assertion criteria provided. Collection method: clinical testing. Allele origin: germline. Not counted in ClinVar's aggregate classification.
Comment: This variant is classified as likely benign based on ACMG/AMP sequence variant interpretation guidelines (Richards et al. 2015 PMID: 25741868, with internal and published modifications).